The following is an entry in ClinVar:

NM_012086.5(GTF3C3):c.209A>G (p.Asn70Ser)

Gene: GTF3C3 (general transcription factor IIIC subunit 3; minus strand). Cytogenetic location: 2q33.1.
Variant type: single nucleotide variant.
Coding change: c.209A>G on transcript NM_012086.5 (MANE Select); coding-DNA position 209, A replaced by G.
Protein change: p.Asn70Ser; replaces asparagine 70 with serine.
Molecular consequence: missense variant.
Genome position (GRCh38, 1-based): chr2:196,797,802, T>C on the plus strand (A>G on the coding strand, the complement: GTF3C3 is on the minus strand). VCF-style: chr2-196797802-T-C. GRCh37 (hg19) VCF-style: chr2-197662526-T-C.
Other names: NC_000002.11:g.197662526T>C; c.209A>G, p.Asn70Ser (NM_001206774.2); short protein forms N70S.
Identifiers: ClinVar variation 3057070 (VCV003057070.3), dbSNP rs11559078, ClinGen allele CA2040362.

ClinVar aggregate classification (germline): Benign (0 of 4 stars; one submission).

Conditions:
GTF3C3-related disorder. Also called: GTF3C3-related condition.

Allele frequency attached by ClinVar (database versions not stated): TOPMed 0.10016; gnomAD 0.10045; ESP Exome Variant Server 0.10403; 1000 Genomes Project 30x 0.11540; 1000 Genomes Project 0.11542; gnomAD exomes 0.07648; ExAC 0.09071.
gnomAD v4.1: 121,657 of 1,537,672 alleles (7.9%); highest among the groups gnomAD compares: African/African-American, 17%; 5,819 homozygotes.

Submissions (22):

PreventionGenetics, part of Exact Sciences
Classification: Benign for GTF3C3-related condition. Last evaluated: 2019-10-21. Review status: no assertion criteria provided. Collection method: clinical testing. Allele origin: germline.
Comment: This variant is classified as benign based on ACMG/AMP sequence variant interpretation guidelines (Richards et al. 2015 PMID: 25741868, with internal and published modifications).

Dr. Peter K. Rogan Lab, Western University
No classification provided (evidence only). Condition: Colorectal cancer. Review status: no classification provided. Collection method: in vitro. Allele origin: not applicable. Functional consequence: retained intron. Not counted in ClinVar's aggregate classification.

Dr. Peter K. Rogan Lab, Western University
No classification provided (evidence only). Condition: Colorectal cancer. Review status: no classification provided. Collection method: in vitro. Allele origin: not applicable. Functional consequence: retained intron. Not counted in ClinVar's aggregate classification.

Dr. Peter K. Rogan Lab, Western University
No classification provided (evidence only). Condition: Colorectal cancer. Review status: no classification provided. Collection method: in vitro. Allele origin: not applicable. Functional consequence: retained intron. Not counted in ClinVar's aggregate classification.

Dr. Peter K. Rogan Lab, Western University
No classification provided (evidence only). Condition: Colorectal cancer. Review status: no classification provided. Collection method: in vitro. Allele origin: not applicable. Functional consequence: retained intron. Not counted in ClinVar's aggregate classification.

Dr. Peter K. Rogan Lab, Western University
No classification provided (evidence only). Condition: Colorectal cancer. Review status: no classification provided. Collection method: in vitro. Allele origin: not applicable. Functional consequence: retained intron. Not counted in ClinVar's aggregate classification.

Dr. Peter K. Rogan Lab, Western University
No classification provided (evidence only). Condition: Colorectal cancer. Review status: no classification provided. Collection method: in vitro. Allele origin: not applicable. Functional consequence: retained intron. Not counted in ClinVar's aggregate classification.

Dr. Peter K. Rogan Lab, Western University
No classification provided (evidence only). Condition: Colorectal cancer. Review status: no classification provided. Collection method: in vitro. Allele origin: not applicable. Functional consequence: retained intron. Not counted in ClinVar's aggregate classification.

Dr. Peter K. Rogan Lab, Western University
No classification provided (evidence only). Condition: Colorectal cancer. Review status: no classification provided. Collection method: in vitro. Allele origin: not applicable. Functional consequence: retained intron. Not counted in ClinVar's aggregate classification.

Dr. Peter K. Rogan Lab, Western University
No classification provided (evidence only). Condition: Malignant lymphoma, large B-cell, diffuse. Review status: no classification provided. Collection method: in vitro. Allele origin: not applicable. Functional consequence: retained intron. Not counted in ClinVar's aggregate classification.

Dr. Peter K. Rogan Lab, Western University
No classification provided (evidence only). Condition: Cholangiocarcinoma. Review status: no classification provided. Collection method: in vitro. Allele origin: not applicable. Functional consequence: retained intron. Not counted in ClinVar's aggregate classification.

Dr. Peter K. Rogan Lab, Western University
No classification provided (evidence only). Condition: Adrenocortical carcinoma, hereditary. Review status: no classification provided. Collection method: in vitro. Allele origin: not applicable. Functional consequence: retained intron. Not counted in ClinVar's aggregate classification.

Dr. Peter K. Rogan Lab, Western University
No classification provided (evidence only). Condition: Adrenocortical carcinoma, hereditary. Review status: no classification provided. Collection method: in vitro. Allele origin: not applicable. Functional consequence: retained intron. Not counted in ClinVar's aggregate classification.

Dr. Peter K. Rogan Lab, Western University
No classification provided (evidence only). Condition: Adrenocortical carcinoma, hereditary. Review status: no classification provided. Collection method: in vitro. Allele origin: not applicable. Functional consequence: retained intron. Not counted in ClinVar's aggregate classification.

Dr. Peter K. Rogan Lab, Western University
No classification provided (evidence only). Condition: Adrenocortical carcinoma, hereditary. Review status: no classification provided. Collection method: in vitro. Allele origin: not applicable. Functional consequence: retained intron. Not counted in ClinVar's aggregate classification.

Dr. Peter K. Rogan Lab, Western University
No classification provided (evidence only). Condition: Adrenocortical carcinoma, hereditary. Review status: no classification provided. Collection method: in vitro. Allele origin: not applicable. Functional consequence: retained intron. Not counted in ClinVar's aggregate classification.

Dr. Peter K. Rogan Lab, Western University
No classification provided (evidence only). Condition: Uterine carcinosarcoma. Review status: no classification provided. Collection method: in vitro. Allele origin: not applicable. Functional consequence: retained intron. Not counted in ClinVar's aggregate classification.

Dr. Peter K. Rogan Lab, Western University
No classification provided (evidence only). Condition: Uveal melanoma. Review status: no classification provided. Collection method: in vitro. Allele origin: not applicable. Functional consequence: retained intron. Not counted in ClinVar's aggregate classification.

Dr. Peter K. Rogan Lab, Western University
No classification provided (evidence only). Condition: Uveal melanoma. Review status: no classification provided. Collection method: in vitro. Allele origin: not applicable. Functional consequence: retained intron. Not counted in ClinVar's aggregate classification.

Dr. Peter K. Rogan Lab, Western University
No classification provided (evidence only). Condition: Uveal melanoma. Review status: no classification provided. Collection method: in vitro. Allele origin: not applicable. Functional consequence: retained intron. Not counted in ClinVar's aggregate classification.

Dr. Peter K. Rogan Lab, Western University
No classification provided (evidence only). Condition: Uveal melanoma. Review status: no classification provided. Collection method: in vitro. Allele origin: not applicable. Functional consequence: retained intron. Not counted in ClinVar's aggregate classification.

Dr. Peter K. Rogan Lab, Western University
No classification provided (evidence only). Condition: Uveal melanoma. Review status: no classification provided. Collection method: in vitro. Allele origin: not applicable. Functional consequence: retained intron. Not counted in ClinVar's aggregate classification.